The following is an entry in ClinVar:

NM_004168.4(SDHA):c.1235G>T (p.Gly412Val)

Gene: SDHA (succinate dehydrogenase complex flavoprotein subunit A; plus strand). Cytogenetic location: 5p15.33.
Variant type: single nucleotide variant.
Coding change: c.1235G>T on transcript NM_004168.4 (MANE Select); coding-DNA position 1235, G replaced by T.
Protein change: p.Gly412Val; replaces glycine 412 with valine.
Molecular consequence: missense variant.
Genome position (GRCh38, 1-based): chr5:235,314, G>T. VCF-style: chr5-235314-G-T. GRCh37 (hg19) VCF-style: chr5-235429-G-T.
Other names: c.1091G>T, p.Gly364Val (NM_001294332.2); c.1235G>T, p.Gly412Val (NM_001330758.2); short protein forms G412V, G364V.
Identifiers: ClinVar variation 4789759 (VCV004789759.1).

ClinVar aggregate classification (germline): Uncertain significance (1 of 4 stars; one submission).

Conditions:
Mitochondrial complex II deficiency, nuclear type 1. Also called: SUCCINATE CoQ REDUCTASE DEFICIENCY. Identifiers: Orphanet 3208, MedGen C5700310, MONDO:0100294, OMIM 252011.
Pheochromocytoma/paraganglioma syndrome 5. Also called: Paragangliomas 5; SDHA-Related Hereditary Paraganglioma-Pheochromocytoma Syndrome. Identifiers: Orphanet 29072, MedGen C3279992, MONDO:0013602, OMIM 614165.

Submission:

Labcorp Genetics (formerly Invitae), Labcorp
Classification: Uncertain significance for Pheochromocytoma/paraganglioma syndrome 5; Mitochondrial complex II deficiency, nuclear type 1. Last evaluated: 2025-08-26. Review status: criteria provided, single submitter. Criteria: Invitae Variant Classification Sherloc (09022015). Collection method: clinical testing. Allele origin: germline.
Comment: This sequence change replaces glycine, which is neutral and non-polar, with valine, which is neutral and non-polar, at codon 412 of the SDHA protein (p.Gly412Val). This variant is not present in population databases (gnomAD no frequency). This variant has not been reported in the literature in individuals affected with SDHA-related conditions. Invitae Evidence Modeling of protein sequence and biophysical properties (such as structural, functional, and spatial information, amino acid conservation, physicochemical variation, residue mobility, and thermodynamic stability) indicates that this missense variant is expected to disrupt SDHA protein function with a positive predictive value of 95%. In summary, the available evidence is currently insufficient to determine the role of this variant in disease. Therefore, it has been classified as a Variant of Uncertain Significance.